The following is an entry in ClinVar:

NM_005422.4(TECTA):c.651dup (p.Asn218fs)

Genes: TBCEL-TECTA (TBCEL-TECTA readthrough; plus strand), TECTA (tectorin alpha; plus strand). Cytogenetic location: 11q23.3.
Variant type: Duplication.
Coding change: c.651dup on transcript NM_005422.4 (MANE Select); coding-DNA position 651, one base duplicated (C; older notation c.651dupC).
Protein change: p.Asn218fs; shifts the reading frame from asparagine 218.
Molecular consequence: frameshift variant.
Genome position (GRCh38, 1-based): chr11:121,113,579, C duplicated; the last of 2 consecutive C bases (chr11:121,113,578-121,113,579); duplicating either gives the same sequence. VCF-style (leftmost placement, unchanged base first): chr11-121113577-A-AC. GRCh37 (hg19) VCF-style: chr11-120984286-A-AC.
Other names: c.1608dup, p.Asn537fs (NM_001378761.1); c.651dupC (NM_005422.2); short protein forms N218fs, N537fs.
Identifiers: ClinVar variation 7018 (VCV000007018.2), dbSNP rs1591437831, ClinGen allele CA658820917.
Genomic context (GRCh38, chr11:121,113,577, plus strand): 5'-TGTACTCAAAAATCTTGTCTTCCTTTTGTGCTGCAGGCAGGATTTAATGGTGGAAACCTC[A>AC]CCAATTTCTTCAGCCTCCCGGGGTCAAGAACCCCCGAGATCGTGAATATCCAGGAGACCA-3'

ClinVar aggregate classification (germline): Pathogenic. Review status: criteria provided, single submitter (1 of 4 stars). 2 submissions from 2 submitters: Pathogenic (1). 1 of the submissions does not count toward it.

Conditions:
Deafness, neurosensory autosomal recessive 21. Identifiers: MedGen C4016799.
Autosomal recessive nonsyndromic hearing loss 21. Identifiers: Orphanet 90636, MedGen C1863655, MONDO:0011351, OMIM 603629.

Submissions (2):

Genetics Research Center, University of Social Welfare and Rehabilitation Sciences
Classification: Pathogenic for Autosomal recessive nonsyndromic hearing loss 21. Review status: criteria provided, single submitter. Criteria: ACMG Guidelines, 2015. Collection method: research. Allele origin: germline. Affected: yes.
Comment: The variant is not present in the gnomAD v2.1.1 dataset and has been previously reported in individual(s) affected with TECTA-related hearing loss (PMID:12746400, 24586623). It is a premature termination codon expected to result in an absent or disrupted protein product.

OMIM
Classification: Pathogenic for DEAFNESS, NEUROSENSORY AUTOSOMAL RECESSIVE 21. Last evaluated: 2003-05-01. Review status: no assertion criteria provided. Collection method: literature only. Allele origin: germline. Not counted in ClinVar's aggregate classification.

Literature cited by the submitters: PubMed 12746400 (cited by Genetics Research Center, University of Social Welfare and Rehabilitation Sciences and OMIM); PubMed 24586623 (cited by Genetics Research Center, University of Social Welfare and Rehabilitation Sciences).